The following is an entry in ClinVar:

NM_000384.3(APOB):c.5690G>A (p.Arg1897His)

Gene: APOB (apolipoprotein B; minus strand). Cytogenetic location: 2p24.1.
Variant type: single nucleotide variant.
Coding change: c.5690G>A on transcript NM_000384.3 (MANE Select); coding-DNA position 5690, G replaced by A.
Protein change: p.Arg1897His; replaces arginine 1897 with histidine.
Molecular consequence: missense variant.
Genome position (GRCh38, 1-based): chr2:21,011,178, C>T on the plus strand (G>A on the coding strand, the complement: APOB is on the minus strand). VCF-style: chr2-21011178-C-T. GRCh37 (hg19) VCF-style: chr2-21234050-C-T.
Other names: short protein forms R1897H.
Identifiers: ClinVar variation 265888 (VCV000265888.19), dbSNP rs199510126, ClinGen allele CA062343.
Genomic context (GRCh38, chr2:21,011,178, plus strand): 5'-AGTTTCCCATTGCCATTTGTATGTGCATCGATGGTCATGGTAAACGGGGCCATTACAGAA[C>T]GGAAGACATTGCTGAAATGCAGTGAGTCTGAATTATAGTTTGTGCTCATGTCAATGGCTG-3'
Protein context (NP_000375.3, residues 1887-1907): SDSLHFSNVF[Arg1897His]SVMAPFTMTI

ClinVar aggregate classification (germline): Conflicting classifications of pathogenicity. Review status: criteria provided, conflicting classifications (1 of 4 stars). 7 submissions from 6 submitters: Uncertain significance (4); Benign (1); Likely benign (2). Last evaluated 2025-11-27.

Conditions:
Familial hypobetalipoproteinemia 1. Also called: Hypobetalipoproteinemia, normotriglyceridemic; Acanthocytosis with hypobetalipoproteinemia; APOB-Related Familial Hypobetalipoproteinemia. Identifiers: MedGen C4551990, MONDO:0014252, OMIM 615558.
Hypercholesterolemia, autosomal dominant, type B (FHCL2). Also called: Familial Hypercholesterolemia Type B; APOB-Related Familial Hypercholesterolemia, Autosomal Dominant; Hyperlipoproteinemia Type IIb; Familial hypercholesterolemia 2; APOLIPOPROTEIN B-100, FAMILIAL DEFECTIVE; APOLIPOPROTEIN B-100, FAMILIAL LIGAND-DEFECTIVE. Identifiers: MedGen C1704417, MONDO:0007751, OMIM 144010.
Familial hypercholesterolemia. Also called: Familial hypercholesterolemias; Familial hypercholesterolaemia. Identifiers: MedGen C0020445, MONDO:0005439.
Hypercholesterolemia, familial, 1. Also called: LDL RECEPTOR DISORDER; Hyperlipoproteinemia Type IIa; HYPER-LOW-DENSITY-LIPOPROTEINEMIA; HYPERCHOLESTEROLEMIC XANTHOMATOSIS, FAMILIAL; Fredrickson type IIa hyperlipoproteinemia; Hyperlipoproteinemia type 2. Identifiers: Orphanet 391665, MedGen C0745103, MONDO:0007750, OMIM 143890.
Cardiovascular phenotype. Identifiers: MedGen CN230736.

Allele frequency attached by ClinVar (database versions not stated): gnomAD 0.00002 and 0.00003; TOPMed 0.00006; gnomAD exomes 0.00008; 1000 Genomes Project 30x 0.00016; ExAC 0.00016; 1000 Genomes Project 0.00020.
gnomAD v4.1: 127 of 1,614,142 alleles (0.0079%); highest among the groups gnomAD compares: South Asian, 0.083%; no homozygotes.

Submissions (7):

Labcorp Genetics (formerly Invitae), Labcorp
Classification: Likely benign for Familial hypobetalipoproteinemia 1; Hypercholesterolemia, autosomal dominant, type B. Last evaluated: 2025-11-27. Review status: criteria provided, single submitter. Criteria: Invitae Variant Classification Sherloc (09022015). Collection method: clinical testing. Allele origin: germline.

Cambridge Genomics Laboratory, East Genomic Laboratory Hub, NHS Genomic Medicine Service
Classification: Likely benign for Familial hypercholesterolaemia. Last evaluated: 2025-07-10. Review status: criteria provided, single submitter. Criteria: ACGS Best Practice Guidelines for Variant Classification in Rare Disease 2020. Collection method: clinical testing. Allele origin: germline. Affected: yes.
Comment: BP4,BP5

Ambry Genetics
Classification: Benign for Cardiovascular phenotype. Last evaluated: 2023-08-25. Review status: criteria provided, single submitter. Criteria: Ambry Variant Classification Scheme 2023. Collection method: clinical testing. Allele origin: germline.

Robarts Research Institute, Western University
Classification: Uncertain significance for Hypercholesterolemia, familial, 1. Last evaluated: 2018-01-02. Review status: criteria provided, single submitter. Criteria: ACMG Guidelines, 2015. Collection method: clinical testing. Allele origin: germline. Inheritance: Autosomal dominant inheritance. Affected: yes.

Illumina Laboratory Services, Illumina
Classification: Uncertain significance for Hypercholesterolemia, autosomal dominant, type B. Last evaluated: 2017-04-28. Review status: criteria provided, single submitter. Criteria: ICSL Variant Classification Criteria 13 December 2019. Collection method: clinical testing. Allele origin: germline.
Comment: This variant was observed as part of a predisposition screen in an ostensibly healthy population. A literature search was performed for the gene, cDNA change, and amino acid change (where applicable). Publications were found based on this search. However, the evidence from the literature, in combination with allele frequency data from public databases where available, was not sufficient to rule this variant in or out of causing disease. Therefore, this variant is classified as a variant of unknown significance.

Illumina Laboratory Services, Illumina
Classification: Uncertain significance for Familial hypobetalipoproteinemia 1. Last evaluated: 2017-04-28. Review status: criteria provided, single submitter. Criteria: ICSL Variant Classification Criteria 13 December 2019. Collection method: clinical testing. Allele origin: germline.

Cardiovascular Research Group, Instituto Nacional de Saude Doutor Ricardo Jorge
Classification: Uncertain significance for Familial hypercholesterolemia. Last evaluated: 2016-03-01. Review status: criteria provided, single submitter. Criteria: ACMG Guidelines, 2015. Collection method: research. Allele origin: germline. Affected: yes.
Comment: 0/202 non-FH alleles

Literature cited by the submitters: PubMed 24234650 (cited by Ambry Genetics and Illumina Laboratory Services, Illumina); PubMed 26020417 (cited by Ambry Genetics and Illumina Laboratory Services, Illumina); PubMed 29233637 (cited by Ambry Genetics); PubMed 31893465 (cited by Ambry Genetics).